The following is an entry in ClinVar:

NM_020806.5(GPHN):c.1238-3C>T

Gene: GPHN (gephyrin; plus strand). Cytogenetic location: 14q23.3.
Variant type: single nucleotide variant.
Coding change: c.1238-3C>T on transcript NM_020806.5 (MANE Select); 3 bases into the intron before coding-DNA position 1238, C replaced by T.
Molecular consequence: intron variant.
Genome position (GRCh38, 1-based): chr14:67,100,853, C>T. VCF-style: chr14-67100853-C-T. GRCh37 (hg19) VCF-style: chr14-67567570-C-T.
Other names: c.1298-3C>T (NM_001377514.1); c.1178-3C>T (NM_001377519.1); c.1268-3C>T (NM_001377515.1); c.1259-3C>T (NM_001377516.1); c.1196-3C>T (NM_001377518.1); c.1211-3C>T (NM_001377517.1); c.1139-3C>T (NM_001024218.2).
Identifiers: ClinVar variation 862278 (VCV000862278.9), dbSNP rs1233468655, ClinGen allele CA614914265.

ClinVar aggregate classification (germline): Uncertain significance (1 of 4 stars; one submission).

Conditions:
Sulfite oxidase deficiency due to molybdenum cofactor deficiency type C. Also called: Molybdenum cofactor deficiency C; Molybdenum cofactor deficiency, complementation group C. Identifiers: Orphanet 308400, Orphanet 833, MedGen C1854990, MONDO:0014212, OMIM 615501.

Allele frequency attached by ClinVar (database versions not stated): gnomAD 0.00001; gnomAD exomes 0.00001 and below 0.00001; TOPMed 0.00002.
gnomAD v4.1: 17 of 1,598,268 alleles (0.0011%); highest among the groups gnomAD compares: Non-Finnish European, 0.0015%; no homozygotes.

Submission:

Labcorp Genetics (formerly Invitae), Labcorp
Classification: Uncertain significance for Sulfite oxidase deficiency due to molybdenum cofactor deficiency type C. Last evaluated: 2023-12-07. Review status: criteria provided, single submitter. Criteria: Invitae Variant Classification Sherloc (09022015). Collection method: clinical testing. Allele origin: germline.
Comment: This sequence change falls in intron 12 of the GPHN gene. It does not directly change the encoded amino acid sequence of the GPHN protein. It affects a nucleotide within the consensus splice site. This variant is present in population databases (no rsID available, gnomAD 0.0009%). This variant has not been reported in the literature in individuals affected with GPHN-related conditions. ClinVar contains an entry for this variant (Variation ID: 862278). Variants that disrupt the consensus splice site are a relatively common cause of aberrant splicing (PMID: 17576681, 9536098). Algorithms developed to predict the effect of sequence changes on RNA splicing suggest that this variant is not likely to affect RNA splicing. In summary, the available evidence is currently insufficient to determine the role of this variant in disease. Therefore, it has been classified as a Variant of Uncertain Significance.

Literature cited by the submitters: PubMed 17576681; PubMed 9536098.